The following is an entry in ClinVar:

ClinVar aggregate classification (germline): Conflicting classifications of pathogenicity. Review status: criteria provided, conflicting classifications (1 of 4 stars). 8 submissions from 8 submitters: Uncertain significance (7); Likely benign (1). Last evaluated 2025-07-10.

Conditions:
Familial cancer of breast. Also called: Hereditary breast cancer; hereditary breast carcinoma; BREAST CANCER, FAMILIAL. Identifiers: Orphanet 227535, MedGen C0346153, MONDO:0016419, OMIM 114480. Disease mechanism: loss of function.
Breast-ovarian cancer, familial, susceptibility to, 2 (BROVCA2). Also called: BRCA2 Hereditary Breast and Ovarian Cancer. Identifiers: Orphanet 145, MedGen C2675520, MONDO:0012933, OMIM 612555. Disease mechanism: loss of function.
Wilms tumor 1 (WT1). Also called: Wilms tumor, somatic. Identifiers: Orphanet 654, MedGen CN033288, MONDO:0008679, OMIM 194070.
Pancreatic cancer, susceptibility to, 2. Identifiers: Orphanet 1333, MedGen C3150546, MONDO:0013235, OMIM 613347.
Glioma susceptibility 3 (GLM3). Also called: Glioblastoma 3. Identifiers: Orphanet 182067, Orphanet 360, MedGen C2751641, MONDO:0013093, OMIM 613029.
Familial prostate cancer. Also called: Hereditary Prostate Cancer. Identifiers: MedGen C2931456, MONDO:0700275, OMIM 176807.
Fanconi anemia complementation group D1. Also called: BRCA2-Related Fanconi Anemia. Identifiers: Orphanet 319462, MedGen C1838457, MONDO:0011584, OMIM 605724.
Medulloblastoma (MDB). Also called: MEDULLOBLASTOMA PREDISPOSITION SYNDROME; Medulloblastoma, somatic. Identifiers: Orphanet 616, MedGen C0025149, MeSH D008527, MONDO:0007959, OMIM 155255, HP:0002885.
Hereditary cancer-predisposing syndrome. Also called: Hereditary Cancer Syndrome; Neoplastic Syndromes, Hereditary; Tumor predisposition; Hereditary neoplastic syndrome. Identifiers: Orphanet 140162, MedGen C0027672, MeSH D009386, MONDO:0015356.
Hereditary breast ovarian cancer syndrome. Also called: Hereditary breast and ovarian cancer; Hereditary breast and ovarian cancer syndrome (HBOC); Hereditary breast and/or ovarian cancer syndrome; Hereditary breast and ovarian cancer syndrome; Breast and ovarian cancer; BRCA1- and BRCA2-Associated Hereditary Breast and Ovarian Cancer. Identifiers: Orphanet 145, MedGen C0677776, MeSH D061325, MONDO:0003582. Disease mechanism: loss of function.

Submissions (8):

Color Diagnostics, LLC DBA Color Health
Classification: Uncertain significance for Hereditary cancer-predisposing syndrome. Last evaluated: 2025-07-10. Review status: criteria provided, single submitter. Criteria: ACMG Guidelines, 2015. Collection method: clinical testing. Allele origin: germline.
Comment: This missense variant replaces leucine with phenylalanine at codon 2277 of the BRCA2 protein. Computational prediction suggests that this variant may not impact protein structure and function. To our knowledge, functional studies have not been reported for this variant. Multifactorial analysis has reached a combined likelihood ratio (LR) of 0.732 based on reported LR for co-occurrence with a pathogenic variant and family history (PMID: 31131967). This variant has not been identified in the general population by the Genome Aggregation Database (gnomAD). The available evidence is insufficient to determine the role of this variant in disease conclusively. Therefore, this variant is classified as a Variant of Uncertain Significance.

Labcorp Genetics (formerly Invitae), Labcorp
Classification: Uncertain significance for Hereditary breast ovarian cancer syndrome. Last evaluated: 2025-06-09. Review status: criteria provided, single submitter. Criteria: Invitae Variant Classification Sherloc (09022015). Collection method: clinical testing. Allele origin: germline.
Comment: This sequence change replaces leucine, which is neutral and non-polar, with phenylalanine, which is neutral and non-polar, at codon 2277 of the BRCA2 protein (p.Leu2277Phe). This variant is not present in population databases (gnomAD no frequency). This missense change has been observed in individual(s) with suspected hereditary breast and ovarian cancer syndrome (PMID: 31409081). ClinVar contains an entry for this variant (Variation ID: 185489). Invitae Evidence Modeling of protein sequence and biophysical properties (such as structural, functional, and spatial information, amino acid conservation, physicochemical variation, residue mobility, and thermodynamic stability) indicates that this missense variant is not expected to disrupt BRCA2 protein function with a negative predictive value of 95%. In summary, the available evidence is currently insufficient to determine the role of this variant in disease. Therefore, it has been classified as a Variant of Uncertain Significance.

Quest Diagnostics Nichols Institute San Juan Capistrano
Classification: Uncertain significance. Last evaluated: 2024-09-12. Review status: criteria provided, single submitter. Criteria: Quest Diagnostics criteria. Collection method: clinical testing. Allele origin: unknown.
Comment: The BRCA2 c.6829C>T (p.Leu2277Phe) variant has been reported in the published literature as a somatic variant in an individual with chordoma (PMID: 34465320 (2021)). Additionally, variant is located in a region of the BRCA2 gene that is tolerant to missense sequence changes (PMID: 31911673 (2020)). This variant has not been reported in large, multi-ethnic general populations (Genome Aggregation Database). Analysis of this variant using bioinformatics tools for the prediction of the effect of amino acid changes on protein structure and function yielded predictions that this variant is benign. Based on the available information, we are unable to determine the clinical significance of this variant.

Ambry Genetics
Classification: Uncertain significance for Hereditary cancer-predisposing syndrome. Last evaluated: 2024-07-13. Review status: criteria provided, single submitter. Criteria: Ambry Variant Classification Scheme 2023. Collection method: clinical testing. Allele origin: germline.
Comment: The p.L2277F variant (also known as c.6829C>T), located in coding exon 10 of the BRCA2 gene, results from a C to T substitution at nucleotide position 6829. The leucine at codon 2277 is replaced by phenylalanine, an amino acid with highly similar properties. This amino acid position is not well conserved in available vertebrate species. In addition, this alteration is predicted to be tolerated by in silico analysis. Since supporting evidence is limited at this time, the clinical significance of this alteration remains unclear.

Fulgent Genetics
Classification: Uncertain significance for Familial cancer of breast; Medulloblastoma; Familial prostate cancer; Wilms tumor 1; Fanconi anemia complementation group D1; Breast-ovarian cancer, familial, susceptibility to, 2; Glioma susceptibility 3; Pancreatic cancer, susceptibility to, 2. Last evaluated: 2024-04-26. Review status: criteria provided, single submitter. Criteria: ACMG Guidelines, 2015. Collection method: clinical testing. Allele origin: germline.

GeneDx
Classification: Uncertain significance. Last evaluated: 2023-07-31. Review status: criteria provided, single submitter. Criteria: GeneDx Variant Classification Process June 2021. Collection method: clinical testing. Allele origin: germline. Affected: yes.
Comment: Observed in a high risk breast/ovarian cancer family (Machackova et al., 2019); Not observed at significant frequency in large population cohorts (gnomAD); In silico analysis supports that this missense variant does not alter protein structure/function; Also known as 7057C>T; This variant is associated with the following publications: (PMID: 29884841, 31131967, 25348012, 32377563, 31409081)

Women's Health and Genetics/Laboratory Corporation of America, LabCorp
Classification: Uncertain significance. Last evaluated: 2023-06-08. Review status: criteria provided, single submitter. Criteria: LabCorp Variant Classification Summary - May 2015. Collection method: clinical testing. Allele origin: germline.
Comment: Variant summary: BRCA2 c.6829C>T (p.Leu2277Phe) results in a non-conservative amino acid change in the encoded protein sequence. Four of five in-silico tools predict a benign effect of the variant on protein function. The variant was absent in 250196 control chromosomes (gnomAD). The available data on variant occurrences in the general population are insufficient to allow any conclusion about variant significance. c.6829C>T has been reported in the literature in at least one family with a suspected hereditary predisposition to breast/ovarian cancer, however without strong evidence for causality (e.g., Machackova_2019). This report does not provide unequivocal conclusions about association of the variant with Hereditary Breast And Ovarian Cancer Syndrome. To our knowledge, no experimental evidence demonstrating an impact on protein function has been reported. The following publications have been ascertained in the context of this evaluation (PMID: 31409081, 25348012). Four ClinVar submitters (evaluation after 2014) have cited the variant with conflicting assessments: three submitters classified the variant as uncertain significance, and one submitter classified the variant as likely benign. Based on the evidence outlined above, the variant was classified as uncertain significance.

University of Washington Department of Laboratory Medicine, University of Washington
Classification: Likely benign for Hereditary cancer-predisposing syndrome. Last evaluated: 2023-03-23. Review status: criteria provided, single submitter. Criteria: Dines et al. (Genet Med. 2020). Collection method: curation. Allele origin: germline.
Comment: Missense variant in a coldspot region where missense variants are very unlikely to be pathogenic (PMID:31911673).

BRCA2 exon 11 coldspot. Reclassification based on statistical prior probability.

Literature cited by the submitters: PubMed 31131967 (cited by Color Diagnostics, LLC DBA Color Health); PubMed 31409081 (cited by Labcorp Genetics (formerly Invitae), Labcorp and Women's Health and Genetics/Laboratory Corporation of America, LabCorp); PubMed 34465320 (cited by Quest Diagnostics Nichols Institute San Juan Capistrano); PubMed 31911673 (cited by Quest Diagnostics Nichols Institute San Juan Capistrano); PubMed 25348012 (cited by Women's Health and Genetics/Laboratory Corporation of America, LabCorp).

NM_000059.4(BRCA2):c.6829C>T (p.Leu2277Phe)

Gene: BRCA2 (BRCA2 DNA repair associated; plus strand). Cytogenetic location: 13q13.1.
Variant type: single nucleotide variant.
Coding change: c.6829C>T on transcript NM_000059.4 (MANE Select); coding-DNA position 6829, C replaced by T.
Protein change: p.Leu2277Phe; replaces leucine 2277 with phenylalanine.
Molecular consequence: missense variant.
Genome position (GRCh38, 1-based): chr13:32,341,184, C>T. VCF-style: chr13-32341184-C-T. GRCh37 (hg19) VCF-style: chr13-32915321-C-T.
Other names: short protein forms L2277F.
Identifiers: ClinVar variation 185489 (VCV000185489.23), dbSNP rs786202214, ClinGen allele CA024470.
Genomic context (GRCh38, chr13:32,341,184, plus strand): 5'-CCCGAAAATGAGGAAATGGTTTTGTCAAATTCAAGAATTGGAAAAAGAAGAGGAGAGCCC[C>T]TTATCTTAGTGGGTAAGTGTTCATTTTTACCTTTCGTGTTGCCAATCACTATTTTTAAAG-3'
Protein context (NP_000050.3, residues 2267-2287): SRIGKRRGEP[Leu2277Phe]ILVGEPSIKR